The following is an entry in ClinVar:

ClinVar aggregate classification (germline): Likely benign (1 of 4 stars; one submission).

Allele frequency attached by ClinVar (database versions not stated): gnomAD exomes 0.00004; ExAC 0.00006; gnomAD 0.00008; TOPMed 0.00009; ESP Exome Variant Server 0.00022.
gnomAD v4.1: 34 of 716,780 alleles (0.0047%); highest among the groups gnomAD compares: African/African-American, 0.03%; no homozygotes.

Submission:

CeGaT Center for Human Genetics Tuebingen
Classification: Likely benign. Last evaluated: 2022-06-01. Review status: criteria provided, single submitter. Criteria: CeGaT Center For Human Genetics Tuebingen Variant Classification Criteria Version 2. Collection method: clinical testing. Allele origin: germline. Affected: yes. Observed: 1 variant allele.
Comment: SHANK2: BP4

NM_012309.5(SHANK2):c.1288G>A (p.Ala430Thr)

Gene: SHANK2 (SH3 and multiple ankyrin repeat domains 2; minus strand). Cytogenetic location: 11q13.4.
Variant type: single nucleotide variant.
Coding change: c.1288G>A on transcript NM_012309.5 (MANE Select); coding-DNA position 1288, G replaced by A.
Protein change: p.Ala430Thr; replaces alanine 430 with threonine.
Molecular consequence: missense variant.
Genome position (GRCh38, 1-based): chr11:70,820,569, C>T on the plus strand (G>A on the coding strand, the complement: SHANK2 is on the minus strand). VCF-style: chr11-70820569-C-T. GRCh37 (hg19) VCF-style: chr11-70666674-C-T.
Other names: c.151G>A, p.Ala51Thr (NM_001379226.1); short protein forms A430T, A51T.
Identifiers: ClinVar variation 2642097 (VCV002642097.24), dbSNP rs368315298, ClinGen allele CA6161850.